The following is an entry in ClinVar:

NM_005739.4(RASGRP1):c.1429-258G>C

Gene: RASGRP1 (RAS guanyl releasing protein 1; minus strand). Cytogenetic location: 15q14.
Variant type: single nucleotide variant.
Coding change: c.1429-258G>C on transcript NM_005739.4 (MANE Select); 258 bases into the intron before coding-DNA position 1429, G replaced by C.
Molecular consequence: intron variant.
Genome position (GRCh38, 1-based): chr15:38,502,679, C>G on the plus strand (G>C on the coding strand, the complement: RASGRP1 is on the minus strand). VCF-style: chr15-38502679-C-G. GRCh37 (hg19) VCF-style: chr15-38794880-C-G.
Other names: c.1324-258G>C (NM_001306086.2, NM_001128602.2).
Identifiers: ClinVar variation 4076365 (VCV004076365.1).
Genomic context (GRCh38, chr15:38,502,679, plus strand): 5'-GGGGGTGGCCATGTACTTTGAATCATTAGCACGTCAATTATACTATCACGCTGGCTACTC[C>G]TAGTTCACTGCGCAGAGGGATGTTCTCCTTTCACTCTACCCTTTTTTTCATCACTCAGCT-3'

ClinVar aggregate classification (germline): Uncertain significance (1 of 4 stars; one submission).

Conditions:
Immunodeficiency 64. Also called: IMMUNODEFICIENCY 64 WITH LYMPHOPROLIFERATION. Identifiers: Orphanet 664699, MedGen C5231402, MONDO:0032803, OMIM 618534.

Submission:

Laboratorio de Genetica e Diagnostico Molecular, Hospital Israelita Albert Einstein
Classification: Uncertain significance for Immunodeficiency 64. Last evaluated: 2024-07-02. Review status: criteria provided, single submitter. Criteria: ACMG Guidelines, 2015. Collection method: clinical testing. Allele origin: germline. Affected: yes.
Comment: ACMG classification criteria: PM2 supporting, BP4 supporting